The following is an entry in ClinVar:

NM_007194.4(CHEK2):c.986A>C (p.Tyr329Ser)

Gene: CHEK2 (checkpoint kinase 2; minus strand). Cytogenetic location: 22q12.1.
Variant type: single nucleotide variant.
Coding change: c.986A>C on transcript NM_007194.4 (MANE Select); coding-DNA position 986, A replaced by C.
Protein change: p.Tyr329Ser; replaces tyrosine 329 with serine.
Molecular consequence: missense variant.
Genome position (GRCh38, 1-based): chr22:28,699,860, T>G on the plus strand (A>C on the coding strand, the complement: CHEK2 is on the minus strand). VCF-style: chr22-28699860-T-G. GRCh37 (hg19) VCF-style: chr22-29095848-T-G.
Other names: c.1115A>C, p.Tyr372Ser (NM_001005735.3); c.323A>C, p.Tyr108Ser (NM_001257387.3); c.785A>C, p.Tyr262Ser (NM_001349956.3); c.986A>C, p.Tyr329Ser (NM_145862.3); short protein forms Y329S, Y108S, Y262S, Y372S.
Identifiers: ClinVar variation 410022 (VCV000410022.9), dbSNP rs774685647, ClinGen allele CA16616332.

ClinVar aggregate classification (germline): Uncertain significance (1 of 4 stars; one submission).

Conditions:
Familial cancer of breast. Also called: BREAST CANCER, FAMILIAL; Hereditary breast cancer; hereditary breast carcinoma. Identifiers: Orphanet 227535, MedGen C0346153, MONDO:0016419, OMIM 114480. Disease mechanism: loss of function.

Submission:

Labcorp Genetics (formerly Invitae), Labcorp
Classification: Uncertain significance for Familial cancer of breast. Last evaluated: 2016-07-10. Review status: criteria provided, single submitter. Criteria: Invitae Variant Classification Sherloc (09022015). Collection method: clinical testing. Allele origin: germline.
Comment: In summary, this variant is a novel missense change with uncertain impact on protein function. It has been classified as a Variant of Uncertain Significance. Algorithms developed to predict the effect of missense changes on protein structure and function do not agree on the potential impact of this missense change (SIFT: "Deleterious"; PolyPhen-2: "Probably Damaging"; Align-GVGD: "Class C0"). This variant is not present in population databases (ExAC no frequency) and has not been reported in the literature in individuals with a CHEK2-related disease. This sequence change replaces tyrosine with serine at codon 329 of the CHEK2 protein (p.Tyr329Ser). The tyrosine residue is highly conserved and there is a large physicochemical difference between tyrosine and serine.